The following is an entry in ClinVar:

ClinVar aggregate classification (germline): Uncertain significance (0 of 4 stars; one submission).

Conditions:
Primary ciliary dyskinesia 3. Identifiers: Orphanet 244, MedGen C1837618, MONDO:0012085, OMIM 608644.

Allele frequency attached by ClinVar (database versions not stated): 1000 Genomes Project 0.00060; TOPMed 0.00085; gnomAD exomes 0.00090; 1000 Genomes Project 30x 0.00062; gnomAD 0.00074 and 0.00076.
gnomAD v4.1: 678 of 781,856 alleles (0.087%); highest among the groups gnomAD compares: South Asian, 0.12%; 1 homozygote.

Submission:

Laboratory of Cell Biology, Institute of Biomedical Sciences Abel Salazar University of Porto
Classification: Uncertain significance for Ciliary dyskinesia, primary, 3. Review status: no assertion criteria provided. Collection method: research. Allele origin: germline. Inheritance: Autosomal recessive inheritance. Affected: yes. Study: Mutation analysis on patients with total sperm immotility.
Comment: Primary Ciliary Dyskinesia

NM_001369.3(DNAH5):c.5882+133A>G

Gene: DNAH5 (dynein axonemal heavy chain 5; minus strand). Cytogenetic location: 5p15.2.
Variant type: single nucleotide variant.
Coding change: c.5882+133A>G on transcript NM_001369.3 (MANE Select); 133 bases into the intron after coding-DNA position 5882, A replaced by G.
Molecular consequence: intron variant.
Genome position (GRCh38, 1-based): chr5:13,839,223, T>C on the plus strand (A>G on the coding strand, the complement: DNAH5 is on the minus strand). VCF-style: chr5-13839223-T-C. GRCh37 (hg19) VCF-style: chr5-13839332-T-C.
Identifiers: ClinVar variation 140604 (VCV000140604.2), dbSNP rs530043272, ClinGen allele CA269991.